The following is an entry in ClinVar:

ClinVar aggregate classification (germline): Uncertain significance. Review status: criteria provided, multiple submitters, no conflicts (2 of 4 stars). 2 submissions from 2 submitters: Uncertain significance (2). Last evaluated 2025-10-21.

Conditions:
Dyskeratosis congenita, autosomal recessive 5 (DKCB5). Identifiers: MedGen C3554656, MONDO:0014076, OMIM 615190.
Pulmonary fibrosis and/or bone marrow failure, Telomere-related, 3. Also called: PULMONARY FIBROSIS AND/OR BONE MARROW FAILURE SYNDROME, TELOMERE-RELATED, 3. Identifiers: Orphanet 2032, MedGen C4225346, MONDO:0014613, OMIM 616373.

Allele frequency attached by ClinVar (database versions not stated): gnomAD exomes 0.00002 and 0.00009; TOPMed 0.00004; gnomAD 0.00005 and 0.00007; ExAC 0.00009; 1000 Genomes Project 0.00060; 1000 Genomes Project 30x 0.00078.
gnomAD v4.1: 45 of 1,608,926 alleles (0.0028%); highest among the groups gnomAD compares: East Asian, 0.067%; 1 homozygote.

Submissions (2):

Labcorp Genetics (formerly Invitae), Labcorp
Classification: Uncertain significance for Dyskeratosis congenita, autosomal recessive 5; Pulmonary fibrosis and/or bone marrow failure, Telomere-related, 3. Last evaluated: 2025-10-21. Review status: criteria provided, single submitter. Criteria: Invitae Variant Classification Sherloc (09022015). Collection method: clinical testing. Allele origin: germline.
Comment: This sequence change replaces arginine, which is basic and polar, with cysteine, which is neutral and slightly polar, at codon 379 of the RTEL1 protein (p.Arg379Cys). This variant is present in population databases (rs201938707, gnomAD 0.1%). This variant has not been reported in the literature in individuals affected with RTEL1-related conditions. ClinVar contains an entry for this variant (Variation ID: 809275). An algorithm developed to predict the effect of missense changes on protein structure and function (PolyPhen-2) suggests that this variant is likely to be disruptive. In summary, the available evidence is currently insufficient to determine the role of this variant in disease. Therefore, it has been classified as a Variant of Uncertain Significance.

CeGaT Center for Human Genetics Tuebingen
Classification: Uncertain significance. Last evaluated: 2019-02-01. Review status: criteria provided, single submitter. Criteria: CeGaT Center For Human Genetics Tuebingen Variant Classification Criteria Version 2. Collection method: clinical testing. Allele origin: germline. Affected: yes. Observed: 1 variant allele.

NM_001283009.2(RTEL1):c.1135C>T (p.Arg379Cys)

Genes: RTEL1-TNFRSF6B (RTEL1-TNFRSF6B readthrough (NMD candidate); plus strand), RTEL1 (regulator of telomere elongation helicase 1; plus strand). Cytogenetic location: 20q13.33.
Variant type: single nucleotide variant.
Coding change: c.1135C>T on transcript NM_001283009.2 (MANE Select); coding-DNA position 1135, C replaced by T.
Protein change: p.Arg379Cys; replaces arginine 379 with cysteine.
Molecular consequence: missense variant. On other transcripts: non-coding transcript variant (1).
Genome position (GRCh38, 1-based): chr20:63,679,946, C>T. VCF-style: chr20-63679946-C-T. GRCh37 (hg19) VCF-style: chr20-62311299-C-T.
Other names: c.466C>T, p.Arg156Cys (NM_001283010.1); c.1135C>T, p.Arg379Cys (NM_016434.4); c.1207C>T, p.Arg403Cys (NM_032957.5); short protein forms R403C, R156C, R379C.
Identifiers: ClinVar variation 809275 (VCV000809275.45), dbSNP rs201938707, ClinGen allele CA9964605.